The following is an entry in ClinVar:

NM_000218.3(KCNQ1):c.955G>A (p.Val319Met)

Gene: KCNQ1 (potassium voltage-gated channel subfamily Q member 1; plus strand). Cytogenetic location: 11p15.5.
Variant type: single nucleotide variant.
Coding change: c.955G>A on transcript NM_000218.3 (MANE Select); coding-DNA position 955, G replaced by A.
Protein change: p.Val319Met; replaces valine 319 with methionine.
Molecular consequence: missense variant.
Genome position (GRCh38, 1-based): chr11:2,583,468, G>A. VCF-style: chr11-2583468-G-A. GRCh37 (hg19) VCF-style: chr11-2604698-G-A.
Other names: c.955G>A, p.Val319Met (NM_001406836.1); c.685G>A, p.Val229Met (NM_001406837.1); c.511G>A, p.Val171Met (NM_001406838.1); c.574G>A, p.Val192Met (NM_181798.2); short protein forms V319M, V192M, V171M, V229M.
Identifiers: ClinVar variation 1044172 (VCV001044172.8), dbSNP rs1310931869, ClinGen allele CA379132995.

ClinVar aggregate classification (germline): Uncertain significance (1 of 4 stars; one submission).

Conditions:
Long QT syndrome (LQTS). Identifiers: MedGen C0023976, MeSH D008133, MONDO:0002442. Disease mechanism: loss of function. Inheritance: Various modes of inheritance.

Submission:

Labcorp Genetics (formerly Invitae), Labcorp
Classification: Uncertain significance for Long QT syndrome. Last evaluated: 2023-03-10. Review status: criteria provided, single submitter. Criteria: Invitae Variant Classification Sherloc (09022015). Collection method: clinical testing. Allele origin: germline.
Comment: In summary, the available evidence is currently insufficient to determine the role of this variant in disease. Therefore, it has been classified as a Variant of Uncertain Significance. Advanced modeling of protein sequence and biophysical properties (such as structural, functional, and spatial information, amino acid conservation, physicochemical variation, residue mobility, and thermodynamic stability) performed at Invitae indicates that this missense variant is expected to disrupt KCNQ1 protein function. ClinVar contains an entry for this variant (Variation ID: 1044172). This variant has not been reported in the literature in individuals affected with KCNQ1-related conditions. This variant is not present in population databases (gnomAD no frequency). This sequence change replaces valine, which is neutral and non-polar, with methionine, which is neutral and non-polar, at codon 319 of the KCNQ1 protein (p.Val319Met).